The following is an entry in ClinVar:

NM_000548.5(TSC2):c.1309G>C (p.Ala437Pro)

Gene: TSC2 (TSC complex subunit 2; plus strand). Cytogenetic location: 16p13.3.
Variant type: single nucleotide variant.
Coding change: c.1309G>C on transcript NM_000548.5 (MANE Select); coding-DNA position 1309, G replaced by C.
Protein change: p.Ala437Pro; replaces alanine 437 with proline.
Molecular consequence: missense variant.
Genome position (GRCh38, 1-based): chr16:2,062,548, G>C. VCF-style: chr16-2062548-G-C. GRCh37 (hg19) VCF-style: chr16-2112549-G-C.
Other names: c.1309G>C, p.Ala437Pro (NM_021055.3, NM_001077183.3, NM_001114382.3 and 3 more transcripts); c.1198G>C, p.Ala400Pro (NM_001318827.2); c.1162G>C, p.Ala388Pro (NM_001318829.2); c.709G>C, p.Ala237Pro (NM_001318831.2); c.1342G>C, p.Ala448Pro (NM_001318832.2); short protein forms A388P, A437P, A448P, A237P, A400P.
Identifiers: ClinVar variation 818865 (VCV000818865.18), dbSNP rs764967942, ClinGen allele CA029303.

ClinVar aggregate classification (germline): Conflicting classifications of pathogenicity. Review status: criteria provided, conflicting classifications (1 of 4 stars). 6 submissions from 6 submitters: Uncertain significance (4); Benign (1); Likely benign (1). Last evaluated 2025-12-20.

Conditions:
Hereditary cancer-predisposing syndrome. Also called: Hereditary Cancer Syndrome; Neoplastic Syndromes, Hereditary; Hereditary neoplastic syndrome; Tumor predisposition. Identifiers: Orphanet 140162, MedGen C0027672, MeSH D009386, MONDO:0015356.
Tuberous sclerosis syndrome (TSC). Also called: Tuberous Sclerosis Complex; Tuberous sclerosis. Identifiers: Orphanet 805, MedGen C0041341, MONDO:0001734.
Tuberous sclerosis 2 (TSC2). Identifiers: Orphanet 805, MedGen C1860707, MONDO:0013199, OMIM 613254.

Allele frequency attached by ClinVar (database versions not stated): ExAC 0.00001; gnomAD exomes 0.00001; TOPMed 0.00001; gnomAD 0.00002.
gnomAD v4.1: 18 of 1,612,194 alleles (0.0011%); highest among the groups gnomAD compares: Non-Finnish European, 0.0014%; no homozygotes.

Submissions (6):

Labcorp Genetics (formerly Invitae), Labcorp
Classification: Benign for Tuberous sclerosis 2. Last evaluated: 2025-12-20. Review status: criteria provided, single submitter. Criteria: Invitae Variant Classification Sherloc (09022015). Collection method: clinical testing. Allele origin: germline.

Color Diagnostics, LLC DBA Color Health
Classification: Likely benign for Tuberous sclerosis syndrome. Last evaluated: 2025-08-20. Review status: criteria provided, single submitter. Criteria: ACMG Guidelines, 2015. Collection method: clinical testing. Allele origin: germline.

Ambry Genetics
Classification: Uncertain significance for Hereditary cancer-predisposing syndrome. Last evaluated: 2023-11-22. Review status: criteria provided, single submitter. Criteria: Ambry Variant Classification Scheme 2023. Collection method: clinical testing. Allele origin: germline.
Comment: The p.A437P variant (also known as c.1309G>C), located in coding exon 12 of the TSC2 gene, results from a G to C substitution at nucleotide position 1309. The alanine at codon 437 is replaced by proline, an amino acid with highly similar properties. This amino acid position is highly conserved in available vertebrate species. In addition, this alteration is predicted to be deleterious by in silico analysis. Since supporting evidence is limited at this time, the clinical significance of this alteration remains unclear.

All of Us Research Program, National Institutes of Health
Classification: Uncertain significance for Tuberous sclerosis syndrome. Last evaluated: 2023-08-15. Review status: criteria provided, single submitter. Criteria: ACMG Guidelines, 2015. Collection method: clinical testing. Allele origin: germline. Inheritance: Autosomal dominant inheritance. Observed: 3 variant alleles, 3 heterozygotes.
Comment: This missense variant replaces alanine with proline at codon 437 of the TSC2 protein. Computational prediction suggests that this variant may not impact protein structure and function (internally defined REVEL score threshold <= 0.5, PMID: 27666373). To our knowledge, functional studies have not been reported for this variant. This variant has not been reported in individuals affected with tuberous sclerosis complex in the literature. This variant has been identified in 2/247220 chromosomes in the general population by the Genome Aggregation Database (gnomAD). The available evidence is insufficient to determine the role of this variant in disease conclusively. Therefore, this variant is classified as a Variant of Uncertain Significance.

This study involves interpretation of variants in research participants for the purpose of population health screening. Participant phenotype was not available at the time of variant classification. Additional details can be found in publication PMID: 35346344, PMCID: PMC8962531

Genome-Nilou Lab
Classification: Uncertain significance for Tuberous sclerosis 2. Last evaluated: 2021-11-07. Review status: criteria provided, single submitter. Criteria: ACMG Guidelines, 2015. Collection method: clinical testing. Allele origin: germline. Affected: no.

AiLife Diagnostics
Classification: Uncertain significance. Last evaluated: 2020-11-05. Review status: criteria provided, single submitter. Criteria: ACMG Guidelines, 2015. Collection method: clinical testing. Allele origin: germline. Affected: yes. Observed: 1 variant allele.